The following is an entry in ClinVar:

ClinVar aggregate classification (germline): Conflicting classifications of pathogenicity. Review status: criteria provided, conflicting classifications (1 of 4 stars). 2 submissions from 2 submitters: Uncertain significance (1); Likely benign (1). Last evaluated 2023-11-14.

Conditions:
Gorlin syndrome. Also called: Nevoid Basal Cell Carcinoma Syndrome; Basal cell nevus syndrome. Identifiers: Orphanet 377, MedGen C0004779, MONDO:0007187.
Hereditary cancer-predisposing syndrome. Also called: Tumor predisposition; Hereditary neoplastic syndrome; Neoplastic Syndromes, Hereditary; Hereditary Cancer Syndrome. Identifiers: Orphanet 140162, MedGen C0027672, MeSH D009386, MONDO:0015356.

Allele frequency attached by ClinVar (database versions not stated): gnomAD exomes below 0.00001; gnomAD 0.00001.
gnomAD v4.1: 5 of 1,614,072 alleles (0.00031%); highest among the groups gnomAD compares: Admixed American, 0.0017%; no homozygotes.

Submissions (2):

Labcorp Genetics (formerly Invitae), Labcorp
Classification: Likely benign for Gorlin syndrome. Last evaluated: 2023-11-14. Review status: criteria provided, single submitter. Criteria: Invitae Variant Classification Sherloc (09022015). Collection method: clinical testing. Allele origin: germline.

Ambry Genetics
Classification: Uncertain significance for Hereditary cancer-predisposing syndrome. Last evaluated: 2023-05-16. Review status: criteria provided, single submitter. Criteria: Ambry Variant Classification Scheme 2023. Collection method: clinical testing. Allele origin: germline.
Comment: The p.S421C variant (also known as c.1262C>G), located in coding exon 9 of the PTCH1 gene, results from a C to G substitution at nucleotide position 1262. The serine at codon 421 is replaced by cysteine, an amino acid with dissimilar properties. This amino acid position is conserved. In addition, the in silico prediction for this alteration is inconclusive. Since supporting evidence is limited at this time, the clinical significance of this alteration remains unclear.

NM_000264.5(PTCH1):c.1262C>G (p.Ser421Cys)

Gene: PTCH1 (patched 1; minus strand). Cytogenetic location: 9q22.32.
Variant type: single nucleotide variant.
Coding change: c.1262C>G on transcript NM_000264.5 (MANE Select); coding-DNA position 1262, C replaced by G.
Protein change: p.Ser421Cys; replaces serine 421 with cysteine.
Molecular consequence: missense variant. On other transcripts: non-coding transcript variant (1).
Genome position (GRCh38, 1-based): chr9:95,478,140, G>C on the plus strand (C>G on the coding strand, the complement: PTCH1 is on the minus strand). VCF-style: chr9-95478140-G-C. GRCh37 (hg19) VCF-style: chr9-98240422-G-C.
Other names: c.1262C>G (NM_000264.3); c.1064C>G, p.Ser355Cys (NM_001083602.3); c.1259C>G, p.Ser420Cys (NM_001083603.3); c.809C>G, p.Ser270Cys (NM_001083604.3, NM_001083605.3, NM_001083606.3 and 1 more transcripts); c.1262C>G, p.Ser421Cys (NM_001354918.2); short protein forms S270C, S421C, S355C, S420C.
Identifiers: ClinVar variation 1507112 (VCV001507112.8), dbSNP rs1285775586, ClinGen allele CA374118876.